The following is an entry in ClinVar:

NM_001371596.2(MFSD8):c.350C>G (p.Ala117Gly)

Gene: MFSD8 (major facilitator superfamily domain containing 8; minus strand). Cytogenetic location: 4q28.2.
Variant type: single nucleotide variant.
Coding change: c.350C>G on transcript NM_001371596.2 (MANE Select); coding-DNA position 350, C replaced by G.
Protein change: p.Ala117Gly; replaces alanine 117 with glycine.
Molecular consequence: missense variant.
Genome position (GRCh38, 1-based): chr4:127,943,841, G>C on the plus strand (C>G on the coding strand, the complement: MFSD8 is on the minus strand). VCF-style: chr4-127943841-G-C. GRCh37 (hg19) VCF-style: chr4-128864996-G-C.
Other names: p.A117G:GCC>GGC; c.350C>G, p.Ala117Gly (NM_001363520.3, NM_001363521.3, NM_001371591.2 and 5 more transcripts); c.215C>G, p.Ala72Gly (NM_001371590.2, NM_001371595.1, NM_001410765.1); short protein forms A117G, A72G.
Identifiers: ClinVar variation 206148 (VCV000206148.7), dbSNP rs759795397, ClinGen allele CA315958.

ClinVar aggregate classification (germline): Uncertain significance. Review status: criteria provided, multiple submitters, no conflicts (2 of 4 stars). 3 submissions from 3 submitters: Uncertain significance (3). Last evaluated 2022-06-13.

Conditions:
Neuronal ceroid lipofuscinosis 7 (CLN7). Also called: MFSD8-Related Neuronal Ceroid-Lipofuscinosis. Identifiers: Orphanet 168491, Orphanet 228366, MedGen C1838571, MONDO:0012588, OMIM 610951.
Inborn genetic diseases. Identifiers: MedGen C0950123, MeSH D030342.

Allele frequency attached by ClinVar (database versions not stated): gnomAD 0.00001; gnomAD exomes 0.00001; TOPMed 0.00001.
gnomAD v4.1: 4 of 1,614,032 alleles (0.00025%); highest among the groups gnomAD compares: Non-Finnish European, 0.00034%; no homozygotes.

Submissions (3):

Labcorp Genetics (formerly Invitae), Labcorp
Classification: Uncertain significance for Neuronal ceroid lipofuscinosis 7. Last evaluated: 2022-06-13. Review status: criteria provided, single submitter. Criteria: Invitae Variant Classification Sherloc (09022015). Collection method: clinical testing. Allele origin: germline.
Comment: This sequence change replaces alanine, which is neutral and non-polar, with glycine, which is neutral and non-polar, at codon 117 of the MFSD8 protein (p.Ala117Gly). This variant is present in population databases (no rsID available, gnomAD 0.0009%). This variant has not been reported in the literature in individuals affected with MFSD8-related conditions. ClinVar contains an entry for this variant (Variation ID: 206148). Algorithms developed to predict the effect of missense changes on protein structure and function are either unavailable or do not agree on the potential impact of this missense change (SIFT: "Tolerated"; PolyPhen-2: "Possibly Damaging"; Align-GVGD: "Class C0"). Algorithms developed to predict the effect of sequence changes on RNA splicing suggest that this variant may disrupt the consensus splice site. In summary, the available evidence is currently insufficient to determine the role of this variant in disease. Therefore, it has been classified as a Variant of Uncertain Significance.

Ambry Genetics
Classification: Uncertain significance for Inborn genetic diseases. Last evaluated: 2018-09-15. Review status: criteria provided, single submitter. Criteria: Ambry Variant Classification Scheme 2023. Collection method: clinical testing. Allele origin: germline.
Comment: The p.A117G variant (also known as c.350C>G), located in coding exon 4 of the MFSD8 gene, results from a C to G substitution at nucleotide position 350. The alanine at codon 117 is replaced by glycine, an amino acid with similar properties. This amino acid position is highly conserved in available vertebrate species. In addition, the in silico prediction for this alteration is inconclusive. Since supporting evidence is limited at this time, the clinical significance of this alteration remains unclear.

GeneDx
Classification: Uncertain significance. Last evaluated: 2014-09-16. Review status: criteria provided, single submitter. Criteria: GeneDx Variant Classification (06012015). Collection method: clinical testing. Allele origin: germline. Affected: yes.
Comment: p.Ala117Gly (GCC>GGC): c.350 C>G in exon 5 of the MFSD8 gene (NM_152778.2)A variant of unknown significance has been identified in the MFSD8 gene. The c.350 C>G variant has not been published as a mutation, nor has it been reported as a benign polymorphism to our knowledge. It was not observed in approximately 6,500 individuals of European and African American ancestry in the NHLBI Exome Sequencing Project, indicating it is not a common benign variant in these populations. Multiple in-silico splice prediction models predict that c.350 C>G creates a cryptic acceptor site which may supplant the natural acceptor site and lead to abnormal gene splicing. However, in the absence of RNA/functional studies, the actual effect of this sequence change in this individual is unknown. If c.350 C>G does not alter splicing, it will result in the A117G missense substitution. The A117G variant is a conservative amino acid substitution, which is not likely to impact secondary protein structure as these residues share similar properties. However, this substitution occurs at a position that is conserved across species, and in silico analysis predicts this variant is probably damaging to the protein structure/function. Therefore, based on the currently available information, it is unclear whether this variant is a pathogenic mutation or a rare benign variant. The variant is found in INFANT-EPI panel(s).